The following is an entry in ClinVar:

ClinVar aggregate classification (germline): Uncertain significance (1 of 4 stars; one submission).

Allele frequency attached by ClinVar (database versions not stated): gnomAD exomes below 0.00001 and 0.00001.
gnomAD v4.1: 2 of 1,350,358 alleles (0.00015%); highest among the groups gnomAD compares: Admixed American, 0.0017%; no homozygotes.

Submission:

Labcorp Genetics (formerly Invitae), Labcorp
Classification: Uncertain significance. Last evaluated: 2024-06-21. Review status: criteria provided, single submitter. Criteria: Invitae Variant Classification Sherloc (09022015). Collection method: clinical testing. Allele origin: germline.
Comment: This sequence change replaces methionine, which is neutral and non-polar, with threonine, which is neutral and polar, at codon 302 of the SI protein (p.Met302Thr). This variant is present in population databases (no rsID available, gnomAD 0.003%). This variant has not been reported in the literature in individuals affected with SI-related conditions. ClinVar contains an entry for this variant (Variation ID: 1369157). An algorithm developed to predict the effect of missense changes on protein structure and function (PolyPhen-2) suggests that this variant is likely to be disruptive. In summary, the available evidence is currently insufficient to determine the role of this variant in disease. Therefore, it has been classified as a Variant of Uncertain Significance.

NM_001041.4(SI):c.905T>C (p.Met302Thr)

Gene: SI (sucrase-isomaltase; minus strand). Cytogenetic location: 3q26.1.
Variant type: single nucleotide variant.
Coding change: c.905T>C on transcript NM_001041.4 (MANE Select); coding-DNA position 905, T replaced by C.
Protein change: p.Met302Thr; replaces methionine 302 with threonine.
Molecular consequence: missense variant.
Genome position (GRCh38, 1-based): chr3:165,063,444, A>G on the plus strand (T>C on the coding strand, the complement: SI is on the minus strand). VCF-style: chr3-165063444-A-G. GRCh37 (hg19) VCF-style: chr3-164781232-A-G.
Other names: short protein forms M302T.
Identifiers: ClinVar variation 1369157 (VCV001369157.7), dbSNP rs1167410422, ClinGen allele CA355031556.
Genomic context (GRCh38, chr3:165,063,444, plus strand): 5'-GCAGTTAAAACATTTCAAGTGAAATCTATAAATATATTATCAAATGAATTATTCTTACCC[A>G]TTGCATTGCTATTCATTAAAAAAACACCGAATGACTTTCCAGATGTATCTTCAATACACA-3'
Protein context (NP_001032.2, residues 292-312): FGVFLMNSNA[Met302Thr]EIFIQPTPIV